The following is an entry in ClinVar:

ClinVar aggregate classification (germline): Benign/Likely benign. Review status: criteria provided, multiple submitters, no conflicts (2 of 4 stars). 2 submissions from 2 submitters: Benign (1); Likely benign (1). Last evaluated 2026-02-01.

Allele frequency attached by ClinVar (database versions not stated): gnomAD exomes 0.00007; 1000 Genomes Project 30x 0.00016; ExAC 0.00018; 1000 Genomes Project 0.00020; gnomAD 0.00050; TOPMed 0.00072; ESP Exome Variant Server 0.00085.

Submissions (2):

CeGaT Center for Human Genetics Tuebingen
Classification: Likely benign. Last evaluated: 2026-02-01. Review status: criteria provided, single submitter. Criteria: CeGaT Center For Human Genetics Tuebingen Variant Classification Criteria Version 2. Collection method: clinical testing. Allele origin: germline. Affected: yes. Observed: 1 variant allele.
Comment: DPF2: BP4, BP7

Labcorp Genetics (formerly Invitae), Labcorp
Classification: Benign. Last evaluated: 2025-12-13. Review status: criteria provided, single submitter. Criteria: Invitae Variant Classification Sherloc (09022015). Collection method: clinical testing. Allele origin: germline.

NM_006268.5(DPF2):c.945G>A (p.Ala315=)

Gene: DPF2 (double PHD fingers 2; plus strand). Cytogenetic location: 11q13.1.
Variant type: single nucleotide variant.
Coding change: c.945G>A on transcript NM_006268.5 (MANE Select); coding-DNA position 945, G replaced by A.
Protein change: p.Ala315=; no amino-acid change (alanine 315 retained).
Molecular consequence: synonymous variant.
Genome position (GRCh38, 1-based): chr11:65,346,287, G>A. VCF-style: chr11-65346287-G-A. GRCh37 (hg19) VCF-style: chr11-65113758-G-A.
Other names: c.987G>A, p.Ala329= (NM_001330308.2).
Identifiers: ClinVar variation 2078096 (VCV002078096.8), dbSNP rs140259644, ClinGen allele CA6095430.